The following is an entry in ClinVar:

ClinVar aggregate classification (germline): Likely benign. Review status: criteria provided, multiple submitters, no conflicts (2 of 4 stars). 5 submissions from 5 submitters: Likely benign (4). 1 of the submissions does not count toward it. Last evaluated 2025-11-06.

Conditions:
SZT2-related disorder. Also called: SZT2-related condition.
Developmental and epileptic encephalopathy, 18 (DEE18). Also called: Early infantile epileptic encephalopathy 18. Identifiers: Orphanet 369894, MedGen C3809624, MONDO:0014201, OMIM 615476.

Allele frequency attached by ClinVar (database versions not stated): gnomAD 0.00009 and 0.00011; ExAC 0.00010; gnomAD exomes 0.00010; TOPMed 0.00013; ESP Exome Variant Server 0.00031.
gnomAD v4.1: 161 of 1,613,994 alleles (0.01%); highest among the groups gnomAD compares: Non-Finnish European, 0.012%; no homozygotes.

Submissions (5):

Labcorp Genetics (formerly Invitae), Labcorp
Classification: Likely benign. Last evaluated: 2025-11-06. Review status: criteria provided, single submitter. Criteria: Invitae Variant Classification Sherloc (09022015). Collection method: clinical testing. Allele origin: germline.

Blueprint Genetics
Classification: Likely benign. Last evaluated: 2024-10-22. Review status: criteria provided, single submitter. Criteria: ACMG Guidelines, 2015. Collection method: clinical testing. Allele origin: germline.

CeGaT Center for Human Genetics Tuebingen
Classification: Likely benign. Last evaluated: 2023-10-01. Review status: criteria provided, single submitter. Criteria: CeGaT Center For Human Genetics Tuebingen Variant Classification Criteria Version 2. Collection method: clinical testing. Allele origin: germline. Affected: yes. Observed: 1 variant allele.
Comment: SZT2: BP4

Genome-Nilou Lab
Classification: Likely benign for Developmental and epileptic encephalopathy, 18. Last evaluated: 2023-04-11. Review status: criteria provided, single submitter. Criteria: ACMG Guidelines, 2015. Collection method: clinical testing. Allele origin: germline. Affected: no.

PreventionGenetics, part of Exact Sciences
Classification: Likely benign for SZT2-related condition. Last evaluated: 2019-11-25. Review status: no assertion criteria provided. Collection method: clinical testing. Allele origin: germline. Not counted in ClinVar's aggregate classification.
Comment: This variant is classified as likely benign based on ACMG/AMP sequence variant interpretation guidelines (Richards et al. 2015 PMID: 25741868, with internal and published modifications).

NM_001365999.1(SZT2):c.5910G>C (p.Leu1970=)

Gene: SZT2 (SZT2 subunit of KICSTOR complex; plus strand). Cytogenetic location: 1p34.2.
Variant type: single nucleotide variant.
Coding change: c.5910G>C on transcript NM_001365999.1 (MANE Select); coding-DNA position 5910, G replaced by C.
Protein change: p.Leu1970=; no amino-acid change (leucine 1970 retained).
Molecular consequence: synonymous variant.
Genome position (GRCh38, 1-based): chr1:43,435,205, G>C. VCF-style: chr1-43435205-G-C. GRCh37 (hg19) VCF-style: chr1-43900876-G-C.
Other names: c.5739G>C, p.Leu1913= (NM_015284.4).
Identifiers: ClinVar variation 698479 (VCV000698479.36), dbSNP rs151260299, ClinGen allele CA809747.